The following is an entry in ClinVar:

NM_145290.4(ADGRA3):c.1202A>G (p.Asp401Gly)

Gene: ADGRA3 (adhesion G protein-coupled receptor A3; minus strand). Cytogenetic location: 4p15.2.
Variant type: single nucleotide variant.
Coding change: c.1202A>G on transcript NM_145290.4 (MANE Select); coding-DNA position 1202, A replaced by G.
Protein change: p.Asp401Gly; replaces aspartic acid 401 with glycine.
Molecular consequence: missense variant.
Genome position (GRCh38, 1-based): chr4:22,436,525, T>C on the plus strand (A>G on the coding strand, the complement: ADGRA3 is on the minus strand). VCF-style: chr4-22436525-T-C. GRCh37 (hg19) VCF-style: chr4-22438148-T-C.
Other names: short protein forms D401G.
Identifiers: ClinVar variation 1463848 (VCV001463848.6), dbSNP rs537910946, ClinGen allele CA93527940.
Genomic context (GRCh38, chr4:22,436,525, plus strand): 5'-GTGACATCATTTGCATACTGACAGCGAGAATAATCATCATCTGCCCAAAAGCCACCTCTA[T>C]CACATCTGCGCCAAGCTTTTCTCTCATCCTGTGGGTTTCCGGGATATATCCCACTGCCAT-3'
Protein context (NP_660333.2, residues 391-411): QDERKAWRRC[Asp401Gly]RGGFWADDDY

ClinVar aggregate classification (germline): Uncertain significance (1 of 4 stars; one submission).

Allele frequency attached by ClinVar (database versions not stated): gnomAD exomes 0.00001 and 0.00002; gnomAD 0.00002 and 0.00003; TOPMed 0.00003; 1000 Genomes Project 30x 0.00016; 1000 Genomes Project 0.00020.

Submission:

Labcorp Genetics (formerly Invitae), Labcorp
Classification: Uncertain significance. Last evaluated: 2024-01-18. Review status: criteria provided, single submitter. Criteria: Invitae Variant Classification Sherloc (09022015). Collection method: clinical testing. Allele origin: germline.
Comment: This sequence change replaces aspartic acid, which is acidic and polar, with glycine, which is neutral and non-polar, at codon 401 of the ADGRA3 protein (p.Asp401Gly). This variant is present in population databases (rs537910946, gnomAD 0.009%). This variant has not been reported in the literature in individuals affected with ADGRA3-related conditions. ClinVar contains an entry for this variant (Variation ID: 1463848). An algorithm developed to predict the effect of missense changes on protein structure and function (PolyPhen-2) suggests that this variant is likely to be disruptive. In summary, the available evidence is currently insufficient to determine the role of this variant in disease. Therefore, it has been classified as a Variant of Uncertain Significance.